The following is an entry in ClinVar:

NM_000383.4(AIRE):c.969_975del (p.Ser324fs)

Gene: AIRE (autoimmune regulator; plus strand). Cytogenetic location: 21q22.3.
Variant type: Deletion.
Coding change: c.969_975del on transcript NM_000383.4 (MANE Select); coding-DNA positions 969 to 975, 7 bases deleted (GTCCCCT; older notation c.969_975delGTCCCCT).
Protein change: p.Ser324fs; shifts the reading frame from serine 324.
Molecular consequence: frameshift variant.
Genome position (GRCh38, 1-based): chr21:44,291,184-44,291,190, GTCCCCT deleted; deleting any 7 consecutive bases within chr21:44,291,181-44,291,190 gives the same sequence; the c. name uses the placement nearest the transcript's 3' end. VCF-style (leftmost placement, unchanged base first): chr21-44291180-GCCTGTCC-G. GRCh37 (hg19) VCF-style: chr21-45711063-GCCTGTCC-G.
Other names: short protein forms S324fs.
Identifiers: ClinVar variation 1454525 (VCV001454525.6), dbSNP rs2146381019, ClinGen allele CA2573157545.

ClinVar aggregate classification (germline): Pathogenic (1 of 4 stars; one submission).

Conditions:
Polyglandular autoimmune syndrome, type 1 (APS1). Also called: PGA I; HYPOADRENOCORTICISM WITH HYPOPARATHYROIDISM AND SUPERFICIAL MONILIASIS; Autoimmune polyendocrine syndrome type 1; AUTOIMMUNE POLYENDOCRINE SYNDROME, TYPE I, WITH OR WITHOUT REVERSIBLE METAPHYSEAL DYSPLASIA; Whitaker syndrome; Autoimmune polyendocrinopathy syndrome, type I. Identifiers: Orphanet 3453, MedGen C0085859, MONDO:0009411, OMIM 240300.

Submission:

Labcorp Genetics (formerly Invitae), Labcorp
Classification: Pathogenic for Polyglandular autoimmune syndrome, type 1. Last evaluated: 2021-10-31. Review status: criteria provided, single submitter. Criteria: Invitae Variant Classification Sherloc (09022015). Collection method: clinical testing. Allele origin: germline.
Comment: For these reasons, this variant has been classified as Pathogenic. This variant has not been reported in the literature in individuals affected with AIRE-related conditions. This variant is not present in population databases (gnomAD no frequency). This sequence change creates a premature translational stop signal (p.Ser324Argfs*52) in the AIRE gene. It is expected to result in an absent or disrupted protein product. Loss-of-function variants in AIRE are known to be pathogenic (PMID: 11524731, 26141571).

Literature cited by the submitters: PubMed 11524731; PubMed 26141571.